The following is an entry in ClinVar:

NM_025150.5(TARS2):c.911G>A (p.Arg304His)

Gene: TARS2 (threonyl-tRNA synthetase 2, mitochondrial; plus strand). Cytogenetic location: 1q21.2.
Variant type: single nucleotide variant.
Coding change: c.911G>A on transcript NM_025150.5 (MANE Select); coding-DNA position 911, G replaced by A.
Protein change: p.Arg304His; replaces arginine 304 with histidine.
Molecular consequence: missense variant. On other transcripts: non-coding transcript variant (1), intron variant (2).
Genome position (GRCh38, 1-based): chr1:150,496,618, G>A. VCF-style: chr1-150496618-G-A. GRCh37 (hg19) VCF-style: chr1-150469094-G-A.
Other names: c.775-912G>A (NM_001271895.2); c.631-912G>A (NM_001271896.2); short protein forms R304H.
Identifiers: ClinVar variation 1426414 (VCV001426414.4), dbSNP rs201680083, ClinGen allele CA1076834.

ClinVar aggregate classification (germline): Uncertain significance (1 of 4 stars; one submission).

Allele frequency attached by ClinVar (database versions not stated): ExAC 0.00001; TOPMed 0.00002.
gnomAD v4.1: 41 of 1,613,302 alleles (0.0025%); highest among the groups gnomAD compares: Admixed American, 0.042%; 1 homozygote.

Submission:

Labcorp Genetics (formerly Invitae), Labcorp
Classification: Uncertain significance. Last evaluated: 2025-10-22. Review status: criteria provided, single submitter. Criteria: Invitae Variant Classification Sherloc (09022015). Collection method: clinical testing. Allele origin: germline.
Comment: This sequence change replaces arginine, which is basic and polar, with histidine, which is basic and polar, at codon 304 of the TARS2 protein (p.Arg304His). The frequency data for this variant in the population databases is considered unreliable, as metrics indicate poor data quality at this position in the gnomAD database. This variant has not been reported in the literature in individuals affected with TARS2-related conditions. ClinVar contains an entry for this variant (Variation ID: 1426414). Invitae Evidence Modeling of protein sequence and biophysical properties (such as structural, functional, and spatial information, amino acid conservation, physicochemical variation, residue mobility, and thermodynamic stability) has been performed for this missense variant. However, the output from this modeling did not meet the statistical confidence thresholds required to predict the impact of this variant on TARS2 protein function. In summary, the available evidence is currently insufficient to determine the role of this variant in disease. Therefore, it has been classified as a Variant of Uncertain Significance.